The following is an entry in ClinVar:

ClinVar aggregate classification (germline): Uncertain significance. Review status: criteria provided, multiple submitters, no conflicts (2 of 4 stars). 3 submissions from 3 submitters: Uncertain significance (3). Last evaluated 2026-08-04.

Conditions:
Inborn genetic diseases. Identifiers: MedGen C0950123, MeSH D030342.

Allele frequency attached by ClinVar (database versions not stated): gnomAD 0.00007; ExAC 0.00009; gnomAD exomes 0.00011; 1000 Genomes Project 30x 0.00016; 1000 Genomes Project 0.00020.
gnomAD v4.1: 76 of 1,613,614 alleles (0.0047%); highest among the groups gnomAD compares: Non-Finnish European, 0.00093%; no homozygotes.

Submissions (3):

Ambry Genetics
Classification: Uncertain significance for Inborn genetic diseases. Last evaluated: 2026-08-04. Review status: criteria provided, single submitter. Criteria: Ambry Variant Classification Scheme 2023. Collection method: clinical testing. Allele origin: germline.
Comment: The c.1133A>T (p.D378V) alteration is located in exon 12 (coding exon 11) of the MME gene. This alteration results from a A to T substitution at nucleotide position 1133, causing the aspartic acid (D) at amino acid position 378 to be replaced by a valine (V). Based on data from gnomAD, the T allele has an overall frequency of 0.01% (28/282238) total alleles studied. The highest observed frequency was 0.092% (23/25122) of European (Finnish) alleles. Based on insufficient or conflicting evidence, the clinical significance of this alteration remains unclear.

Blueprint Genetics
Classification: Uncertain significance. Last evaluated: 2024-09-18. Review status: criteria provided, single submitter. Criteria: ACMG Guidelines, 2015. Collection method: clinical testing. Allele origin: germline.

Labcorp Genetics (formerly Invitae), Labcorp
Classification: Uncertain significance. Last evaluated: 2022-08-09. Review status: criteria provided, single submitter. Criteria: Invitae Variant Classification Sherloc (09022015). Collection method: clinical testing. Allele origin: germline.
Comment: In summary, the available evidence is currently insufficient to determine the role of this variant in disease. Therefore, it has been classified as a Variant of Uncertain Significance. Algorithms developed to predict the effect of sequence changes on RNA splicing suggest that this variant may disrupt the consensus splice site. Algorithms developed to predict the effect of missense changes on protein structure and function are either unavailable or do not agree on the potential impact of this missense change (SIFT: "Tolerated"; PolyPhen-2: "Possibly Damaging"; Align-GVGD: "Class C25"). This variant has not been reported in the literature in individuals affected with MME-related conditions. This variant is present in population databases (rs201810771, gnomAD 0.09%). This sequence change replaces aspartic acid, which is acidic and polar, with valine, which is neutral and non-polar, at codon 378 of the MME protein (p.Asp378Val).

NM_007289.4(MME):c.1133A>T (p.Asp378Val)

Gene: MME (membrane metalloendopeptidase; plus strand). Cytogenetic location: 3q25.2.
Variant type: single nucleotide variant.
Coding change: c.1133A>T on transcript NM_007289.4 (MANE Select); coding-DNA position 1133, A replaced by T.
Protein change: p.Asp378Val; replaces aspartic acid 378 with valine.
Molecular consequence: missense variant.
Genome position (GRCh38, 1-based): chr3:155,142,275, A>T. VCF-style: chr3-155142275-A-T. GRCh37 (hg19) VCF-style: chr3-154860064-A-T.
Other names: c.1133A>T (NM_007289.2); c.1133A>T, p.Asp378Val (NM_000902.5, NM_001354642.2, NM_001354643.1 and 2 more transcripts); short protein forms D378V.
Identifiers: ClinVar variation 1943308 (VCV001943308.7), dbSNP rs201810771, ClinGen allele CA2675397.